The following is an entry in ClinVar:

ClinVar aggregate classification (germline): Conflicting classifications of pathogenicity. Review status: criteria provided, conflicting classifications (1 of 4 stars). 6 submissions from 6 submitters: Uncertain significance (1); Benign (3); Likely benign (2). Last evaluated 2025-01-29.

Allele frequency attached by ClinVar (database versions not stated): ExAC 0.00001; gnomAD exomes 0.00001; gnomAD 0.00012.

Submissions (6):

Athena Diagnostics
Classification: Benign. Last evaluated: 2025-01-29. Review status: criteria provided, single submitter. Criteria: Athena Diagnostics Criteria. Collection method: clinical testing. Allele origin: unknown.
Comment: Computational tools yielded predictions that this variant is unlikely to have an effect on normal RNA splicing. This nucleotide position exhibits low evolutionary conservation. This variant has been seen where an alternate explanation for disease was also identified.

Women's Health and Genetics/Laboratory Corporation of America, LabCorp
Classification: Likely benign. Last evaluated: 2024-10-29. Review status: criteria provided, single submitter. Criteria: LabCorp Variant Classification Summary - May 2015. Collection method: clinical testing. Allele origin: germline.

Blueprint Genetics
Classification: Likely benign. Last evaluated: 2024-10-24. Review status: criteria provided, single submitter. Criteria: ACMG Guidelines, 2015. Collection method: clinical testing. Allele origin: germline.

Greenwood Genetic Center Diagnostic Laboratories, Greenwood Genetic Center
Classification: Uncertain significance. Last evaluated: 2023-05-25. Review status: criteria provided, single submitter. Criteria: ACMG Guidelines, 2015. Collection method: clinical testing. Allele origin: germline. Affected: yes.
Comment: PM2

Quest Diagnostics Nichols Institute San Juan Capistrano
Classification: Benign. Last evaluated: 2020-12-01. Review status: criteria provided, single submitter. Criteria: Quest Diagnostics criteria. Collection method: clinical testing. Allele origin: unknown.

PreventionGenetics, part of Exact Sciences
Classification: Benign. Review status: criteria provided, single submitter. Criteria: ACMG Guidelines, 2015. Collection method: clinical testing. Allele origin: germline.

Literature cited by the submitters: PubMed 20970527 (cited by 3 submitters); PubMed 12788880 (cited by 3 submitters).

NM_000500.9(CYP21A2):c.327C>G (p.Ser109=)

Genes: CYP21A2 (cytochrome P450 family 21 subfamily A member 2; plus strand), LOC106780800 (CYP21A2 recombination region; plus strand). Cytogenetic location: 6p21.33.
Variant type: single nucleotide variant.
Coding change: c.327C>G on transcript NM_000500.9 (MANE Select); coding-DNA position 327, C replaced by G.
Protein change: p.Ser109=; no amino-acid change (serine 109 retained).
Molecular consequence: synonymous variant. On other transcripts: 5 prime UTR variant (2).
Genome position (GRCh38, 1-based): chr6:32,039,128, C>G. VCF-style: chr6-32039128-C-G. GRCh37 (hg19) VCF-style: chr6-32006905-C-G.
Other names: c.237C>G, p.Ser79= (NM_001128590.4); c.-79C>G (NM_001368143.2, NM_001368144.2).
Identifiers: ClinVar variation 35994 (VCV000035994.11), dbSNP rs193922545, ClinGen allele CA213675.